The following is an entry in ClinVar:

NM_000069.3(CACNA1S):c.2103G>A (p.Met701Ile)

Gene: CACNA1S (calcium voltage-gated channel subunit alpha1 S; minus strand). Cytogenetic location: 1q32.1.
Variant type: single nucleotide variant.
Coding change: c.2103G>A on transcript NM_000069.3 (MANE Select); coding-DNA position 2103, G replaced by A.
Protein change: p.Met701Ile; replaces methionine 701 with isoleucine.
Molecular consequence: missense variant.
Genome position (GRCh38, 1-based): chr1:201,073,603, C>T on the plus strand (G>A on the coding strand, the complement: CACNA1S is on the minus strand). VCF-style: chr1-201073603-C-T. GRCh37 (hg19) VCF-style: chr1-201042731-C-T.
Other names: short protein forms M701I.
Identifiers: ClinVar variation 473973 (VCV000473973.9), dbSNP rs1553251197, ClinGen allele CA344113537.
Genomic context (GRCh38, chr1:201,073,603, plus strand): 5'-GCTCACCTTGGCAGTGGTGGGGATGCCCTCACCCTTGGGTTTCTGCTCCAGCTTCTTGGC[C>T]ATCGTTGACTTCTCCTCTTCTGACTTGTCTGGGAGACCCCTGAGTTAGAAAACCCAAAGT-3'
Protein context (NP_000060.2, residues 691-711): PDKSEEEKST[Met701Ile]AKKLEQKPKG

ClinVar aggregate classification (germline): Uncertain significance (1 of 4 stars; one submission).

Conditions:
Malignant hyperthermia, susceptibility to, 5 (MHS5). Also called: CACNA1S-Related Malignant Hyperthermia Susceptibility. Identifiers: Orphanet 423, MedGen C1866077, MONDO:0011163, OMIM 601887.
Hypokalemic periodic paralysis, type 1. Also called: HypoPP; Hypokalemic Periodic Paralysis Type 1 (AD). Identifiers: Orphanet 681, MedGen C3714580, MONDO:0042979, OMIM 170400.

Submission:

Labcorp Genetics (formerly Invitae), Labcorp
Classification: Uncertain significance for Hypokalemic periodic paralysis, type 1; Malignant hyperthermia, susceptibility to, 5. Last evaluated: 2024-11-19. Review status: criteria provided, single submitter. Criteria: Invitae Variant Classification Sherloc (09022015). Collection method: clinical testing. Allele origin: germline.
Comment: This sequence change replaces methionine, which is neutral and non-polar, with isoleucine, which is neutral and non-polar, at codon 701 of the CACNA1S protein (p.Met701Ile). This variant is not present in population databases (gnomAD no frequency). This variant has not been reported in the literature in individuals affected with CACNA1S-related conditions. ClinVar contains an entry for this variant (Variation ID: 473973). Invitae Evidence Modeling of protein sequence and biophysical properties (such as structural, functional, and spatial information, amino acid conservation, physicochemical variation, residue mobility, and thermodynamic stability) indicates that this missense variant is not expected to disrupt CACNA1S protein function with a negative predictive value of 95%. In summary, the available evidence is currently insufficient to determine the role of this variant in disease. Therefore, it has been classified as a Variant of Uncertain Significance.